The following is an entry in ClinVar:

NM_000059.4(BRCA2):c.4471_4474del (p.Leu1491fs)

Gene: BRCA2 (BRCA2 DNA repair associated; plus strand). Cytogenetic location: 13q13.1.
Variant type: Deletion.
Coding change: c.4471_4474del on transcript NM_000059.4 (MANE Select); coding-DNA positions 4471 to 4474, 4 bases deleted (CTGA; older notation c.4471_4474delCTGA).
Protein change: p.Leu1491fs; shifts the reading frame from leucine 1491.
Molecular consequence: frameshift variant.
Genome position (GRCh38, 1-based): chr13:32,338,826-32,338,829, CTGA deleted; deleting any 4 consecutive bases within chr13:32,338,825-32,338,829 gives the same sequence; the c. name uses the placement nearest the transcript's 3' end. VCF-style (leftmost placement, unchanged base first): chr13-32338824-TACTG-T. GRCh37 (hg19) VCF-style: chr13-32912961-TACTG-T.
Other names: 4699del4; c.4471_4474delCTGA (NM_000059.4, NM_000059.3); short protein forms L1491fs.
Identifiers: ClinVar variation 51652 (VCV000051652.35), dbSNP rs80359451, ClinGen allele CA020226.

ClinVar aggregate classification (germline): Pathogenic. Review status: reviewed by expert panel (3 of 4 stars). 15 submissions from 15 submitters: Pathogenic (1). 14 of the submissions do not count toward it. Last evaluated 2016-09-08.

Conditions:
Inherited ovarian cancer (without breast cancer).
Hereditary cancer-predisposing syndrome. Also called: Hereditary neoplastic syndrome; Neoplastic Syndromes, Hereditary; Tumor predisposition; Hereditary Cancer Syndrome. Identifiers: Orphanet 140162, MedGen C0027672, MeSH D009386, MONDO:0015356.
Hereditary breast ovarian cancer syndrome. Also called: BRCA1- and BRCA2-Associated Hereditary Breast and Ovarian Cancer; Hereditary breast and ovarian cancer; Hereditary breast and ovarian cancer syndrome (HBOC); Hereditary breast and ovarian cancer syndrome; Hereditary breast and/or ovarian cancer syndrome; Breast and ovarian cancer. Identifiers: Orphanet 145, MedGen C0677776, MeSH D061325, MONDO:0003582. Disease mechanism: loss of function.
Breast-ovarian cancer, familial, susceptibility to, 2 (BROVCA2). Also called: BRCA2 Hereditary Breast and Ovarian Cancer. Identifiers: Orphanet 145, MedGen C2675520, MONDO:0012933, OMIM 612555. Disease mechanism: loss of function.
Familial cancer of breast. Also called: BREAST CANCER, FAMILIAL; hereditary breast carcinoma; Hereditary breast cancer. Identifiers: Orphanet 227535, MedGen C0346153, MONDO:0016419, OMIM 114480. Disease mechanism: loss of function.
Breast carcinoma. Also called: Carcinoma of breast. Identifiers: MedGen C0678222, MONDO:0004989, HP:0003002.

Submissions 1 to 10 of 15:

Evidence-based Network for the Interpretation of Germline Mutant Alleles (ENIGMA)
Classification: Pathogenic for Breast-ovarian cancer, familial, susceptibility to, 2. Last evaluated: 2016-09-08. Review status: reviewed by expert panel. Criteria: ENIGMA BRCA1/2 Classification Criteria (2015). Collection method: curation. Allele origin: germline.
Comment: Variant allele predicted to encode a truncated non-functional protein.

Genetics Laboratory, Great Ormond Street Hospital NHS Foundation Trust, North Thames Genomic Laboratory Hub
Classification: Pathogenic for Inherited ovarian cancer (without breast cancer). Last evaluated: 2026-04-08. Review status: criteria provided, single submitter. Criteria: CanVIG BRCA Gene Specific V1.22. Collection method: clinical testing. Allele origin: germline. Affected: yes. Not counted in ClinVar's aggregate classification.
Comment: PS4_supporting, PM2_moderate, PVS1_very-strong, PM5_strong

Labcorp Genetics (formerly Invitae), Labcorp
Classification: Pathogenic for Hereditary breast ovarian cancer syndrome. Last evaluated: 2026-01-28. Review status: criteria provided, single submitter. Criteria: Invitae Variant Classification Sherloc (09022015). Collection method: clinical testing. Allele origin: germline. Not counted in ClinVar's aggregate classification.
Comment: This sequence change creates a premature translational stop signal (p.Leu1491Lysfs*12) in the BRCA2 gene. It is expected to result in an absent or disrupted protein product. Loss-of-function variants in BRCA2 are known to be pathogenic (PMID: 20104584). This variant is present in population databases (rs80359451, gnomAD 0.007%). This premature translational stop signal has been observed in individual(s) with breast cancer (PMID: 24013928). This variant is also known as 4699del4. ClinVar contains an entry for this variant (Variation ID: 51652). For these reasons, this variant has been classified as Pathogenic.

Ambry Genetics
Classification: Pathogenic for Hereditary cancer-predisposing syndrome. Last evaluated: 2024-11-21. Review status: criteria provided, single submitter. Criteria: Ambry Variant Classification Scheme 2023. Collection method: clinical testing. Allele origin: germline. Not counted in ClinVar's aggregate classification.
Comment: The c.4471_4474delCTGA pathogenic mutation, located in coding exon 10 of the BRCA2 gene, results from a deletion of 4 nucleotides at positions 4471 to 4474, causing a translational frameshift with a predicted alternate stop codon (p.L1491Kfs*12). This alteration has been identified in multiple individuals diagnosed with breast cancer (Pal T et al. J. Community Genet. 2014 Apr; 5(2):157-65; Ryu JM et al. Breast Cancer Res Treat. 2019 Jan;173:385-395; Akcay IM et al. Int J Cancer. 2021 01;148:285-295). Of note, this alteration is also known as 4699del4 in published literature. In addition to the clinical data presented in the literature, this alteration is expected to result in loss of function by premature protein truncation or nonsense-mediated mRNA decay. As such, this alteration is interpreted as a disease-causing mutation.

Women's Health and Genetics/Laboratory Corporation of America, LabCorp
Classification: Pathogenic for Hereditary breast ovarian cancer syndrome. Last evaluated: 2024-07-11. Review status: criteria provided, single submitter. Criteria: LabCorp Variant Classification Summary - May 2015. Collection method: clinical testing. Allele origin: germline. Not counted in ClinVar's aggregate classification.
Comment: Variant summary: BRCA2 c.4471_4474delCTGA (p.Leu1491LysfsX12) results in a premature termination codon, predicted to cause a truncation of the encoded protein or absence of the protein due to nonsense mediated decay, which are commonly known mechanisms for disease. The variant allele was found at a frequency of 4e-06 in 250468 control chromosomes. c.4471_4474delCTGA has been reported in the literature in individuals affected with Hereditary Breast And Ovarian Cancer Syndrome (e.g. Pal_2014). To our knowledge, no experimental evidence demonstrating an impact on protein function has been reported. The following publication have been ascertained in the context of this evaluation (PMID: 24013928). ClinVar contains an entry for this variant (Variation ID: 51652). Based on the evidence outlined above, the variant was classified as pathogenic.

Illumina Laboratory Services, Illumina
Classification: Pathogenic for Breast-ovarian cancer, familial, susceptibility to, 2. Last evaluated: 2023-09-14. Review status: criteria provided, single submitter. Criteria: ICSLVariantClassificationCriteria RUGD 01 April 2020. Collection method: clinical testing. Allele origin: unknown. Not counted in ClinVar's aggregate classification.
Comment: The BRCA2 c.4471_4474del (p.Leu1491LysfsTer12) variant causes a shift in the protein reading frame that is predicted to result in premature termination of the protein. Loss of normal protein function through either protein truncation or nonsense-mediated mRNA decay is expected. Across a selection of the literature this variant has been identified in at least five individuals with a breast cancer phenotype (PMIDs: 24013928; 34645131; 3265831; 35710434). This variant is not observed at a significant frequency in version 2.1.1 or version 3.1.2 of the Genome Aggregation Database. Based on the available evidence the c.4471_4474del (p.Leu1491LysfsTer12) variant is classified as likely pathogenic for hereditary breast and ovarian cancer.

Quest Diagnostics Nichols Institute San Juan Capistrano
Classification: Pathogenic. Last evaluated: 2022-11-01. Review status: criteria provided, single submitter. Criteria: Quest Diagnostics criteria. Collection method: clinical testing. Allele origin: unknown. Not counted in ClinVar's aggregate classification.
Comment: This frameshift variant alters the translational reading frame of the BRCA2 mRNA and causes the premature termination of BRCA2 protein synthesis. The frequency of this variant in the general population, 0.000004 (1/250468 chromosomes), is consistent with pathogenicity. In the published literature, the variant has been reported in individuals with breast cancer (PMIDs: 24013928 (2014), 30350268 (2018), 32658311 (2021), and 33471991 (2021), see also LOVD). Based on the available information, this variant is classified as pathogenic.

Baylor Genetics
Classification: Pathogenic for Familial cancer of breast. Last evaluated: 2022-08-03. Review status: criteria provided, single submitter. Criteria: ACMG Guidelines, 2015. Collection method: clinical testing. Allele origin: unknown. Not counted in ClinVar's aggregate classification.

GeneDx
Classification: Pathogenic. Last evaluated: 2022-06-30. Review status: criteria provided, single submitter. Criteria: GeneDx Variant Classification Process June 2021. Collection method: clinical testing. Allele origin: germline. Affected: yes. Not counted in ClinVar's aggregate classification.
Comment: Observed in individuals with a personal or family history consistent with pathogenic variants in this gene (Pal et al., 2014; Park et al., 2018; Ryu et al., 2019; Akcay et al., 2020); Frameshift variant predicted to result in protein truncation or nonsense mediated decay in a gene for which loss of function is a known mechanism of disease; Not observed at significant frequency in large population cohorts (gnomAD); Truncating variants in this gene are considered pathogenic by a well-established clinical consortium and/or database; Also known as 4699_4702delCTGA; This variant is associated with the following publications: (PMID: 24013928, 26287763, 29128982, 29673794, 28918466, 30720243, 30350268, 30787465, 32658311, 31875949)

Color Diagnostics, LLC DBA Color Health
Classification: Pathogenic for Hereditary cancer-predisposing syndrome. Last evaluated: 2022-02-14. Review status: criteria provided, single submitter. Criteria: ACMG Guidelines, 2015. Collection method: clinical testing. Allele origin: germline. Not counted in ClinVar's aggregate classification.
Comment: This variant deletes 4 nucleotides in exon 11 of the BRCA2 gene, creating a frameshift and premature translation stop signal. This variant is expected to result in an absent or non-functional protein product. This variant has been reported in 1 individual affected with pancreatic cancer (PMID: 35008403), 1 individual affected with ovarian cancer (PMID: 34657357), 5 individuals affected with breast cancer (PMID: 24013928, 30350268, 33471991; Leiden Open Variation Database DB-ID BRCA2_004644, 34645131) and 2 individuals affected with colorectal cancer (PMID: 31875949). This variant has been identified in 1/250468 chromosomes in the general population by the Genome Aggregation Database (gnomAD). Loss of BRCA2 function is a known mechanism of disease. Based on the available evidence, this variant is classified as Pathogenic.